The following is an entry in ClinVar:

NM_015506.3(MMACHC):c.688C>T (p.Arg230Ter)

Genes: MMACHC (metabolism of cobalamin associated C; plus strand), LOC129930446 (ATAC-STARR-seq lymphoblastoid active region 972; plus strand). Cytogenetic location: 1p34.1.
Variant type: single nucleotide variant.
Coding change: c.688C>T on transcript NM_015506.3 (MANE Select); coding-DNA position 688, C replaced by T.
Protein change: p.Arg230Ter; replaces arginine 230 with a stop codon.
Molecular consequence: nonsense.
Genome position (GRCh38, 1-based): chr1:45,509,054, C>T. VCF-style: chr1-45509054-C-T. GRCh37 (hg19) VCF-style: chr1-45974726-C-T.
Other names: c.517C>T, p.Arg173Ter (NM_001330540.2); short protein forms R230*, R173*.
Identifiers: ClinVar variation 488706 (VCV000488706.18), dbSNP rs201183360, ClinGen allele CA827832.

ClinVar aggregate classification (germline): Conflicting classifications of pathogenicity. Review status: criteria provided, conflicting classifications (1 of 4 stars). 9 submissions from 9 submitters: Pathogenic (1); Likely pathogenic (3); Uncertain significance (4). 1 of the submissions does not count toward it. Last evaluated 2025-07-24.

Conditions:
MMACHC-related disorder. Also called: MMACHC-related condition.
Cobalamin C disease. Also called: Methylmalonic aciduria and homocystinuria, Vitamin B12-responsive; Vitamin B12 metabolic defect with combined deficiency of methylmalonyl-CoA mutase and homocysteine:methyltetrahydrofolate methyltransferase; methylmalonic aciduria and homocystinuria type cblC; Methylmalonic aciduria with homocystinuria cblC type; Cobalamin-C methylmalonic acidemia and homocystinuria; Methylmalonic acidemia and homocystinuria cblC type. Identifiers: Orphanet 26, Orphanet 79282, MedGen C1848561, MONDO:0010184, OMIM 277400.

Allele frequency attached by ClinVar (database versions not stated): ExAC 0.00002; TOPMed 0.00004; gnomAD 0.00006; gnomAD exomes 0.00007 and 0.00015.

Submissions (9):

Natera, Inc.
Classification: Likely pathogenic for Methylmalonic aciduria and homocystinuria cblC type. Last evaluated: 2025-07-24. Review status: criteria provided, single submitter. Criteria: Natera Variant Classification Schema (03/2026). Collection method: clinical testing. Allele origin: germline.
Comment: The c.688C>T variant in MMACHC is a nonsense variant predicted to introduce a stop codon at amino acid 230. This variant is expected to result in nonsense mediated decay, truncation, or a dysfunctional protein product. This variant is rare in the general population with a frequency below the threshold expected for the associated phenotype(s). Given the available evidence, this variant is classified as Likely Pathogenic.

PreventionGenetics, part of Exact Sciences
Classification: Likely pathogenic for MMACHC-related condition. Last evaluated: 2024-12-06. Review status: criteria provided, single submitter. Criteria: ACMG Guidelines, 2015. Collection method: clinical testing. Allele origin: germline.
Comment: The MMACHC c.688C>T variant is predicted to result in premature protein termination (p.Arg230*). To our knowledge, this variant has not been reported in an individual with MMACHC-related disease. This variant is reported in 0.014% of alleles in individuals of Latino descent in gnomAD. Nonsense variants in MMACHC are expected to be pathogenic. This variant is interpreted as likely pathogenic.

Fulgent Genetics
Classification: Uncertain significance for Cobalamin C disease. Last evaluated: 2024-04-25. Review status: criteria provided, single submitter. Criteria: ACMG Guidelines, 2015. Collection method: clinical testing. Allele origin: germline.

Women's Health and Genetics/Laboratory Corporation of America, LabCorp
Classification: Uncertain significance. Last evaluated: 2024-02-08. Review status: criteria provided, single submitter. Criteria: LabCorp Variant Classification Summary - May 2015. Collection method: clinical testing. Allele origin: germline.
Comment: Variant summary: MMACHC c.688C>T (p.Arg230X) results in a premature termination codon, predicted to cause a truncation of the encoded protein. No variants (nonsesen/frameshifting/missense/inframe deletions) downstream of this position have been classified as pathogenic. The variant allele was found at a frequency of 6.8e-05 in 249066 control chromosomes. This frequency is not significantly higher than estimated for a pathogenic variant in MMACHC causing Methylmalonic Acidemia With Homocystinuria (6.8e-05 vs 0.0032), allowing no conclusion about variant significance. To our knowledge, no occurrence of c.688C>T in individuals affected with Methylmalonic Acidemia With Homocystinuria and no experimental evidence demonstrating its impact on protein function have been reported. However, the variant was reported as a pathogenic/likely pathogenic variant in two large carrier screenings (Abuli_2016, Capalbo_2019). The following publications have been ascertained in the context of this evaluation (PMID: 26990548, 31589614). ClinVar contains an entry for this variant (Variation ID: 488706). Based on the evidence outlined above, the variant was classified as VUS.

Blueprint Genetics
Classification: Uncertain significance. Last evaluated: 2023-04-14. Review status: criteria provided, single submitter. Criteria: ACMG Guidelines, 2015. Collection method: clinical testing. Allele origin: germline.

GeneDx
Classification: Likely pathogenic. Last evaluated: 2022-09-07. Review status: criteria provided, single submitter. Criteria: GeneDx Variant Classification Process June 2021. Collection method: clinical testing. Allele origin: germline. Affected: yes.
Comment: Nonsense variant in the C-terminus predicted to result in protein truncation, as the last 52 amino acids are lost; Not observed at significant frequency in large population cohorts (gnomAD); Has not been previously published as pathogenic or benign to our knowledge; This variant is associated with the following publications: (PMID: 31589614, 22642810, 26990548)

Labcorp Genetics (formerly Invitae), Labcorp
Classification: Uncertain significance for Cobalamin C disease. Last evaluated: 2022-05-05. Review status: criteria provided, single submitter. Criteria: Invitae Variant Classification Sherloc (09022015). Collection method: clinical testing. Allele origin: germline.
Comment: This sequence change creates a premature translational stop signal (p.Arg230*) in the MMACHC gene. While this is not anticipated to result in nonsense mediated decay, it is expected to disrupt the last 53 amino acid(s) of the MMACHC protein. This variant is present in population databases (rs201183360, gnomAD 0.01%). This variant has not been reported in the literature in individuals affected with MMACHC-related conditions. ClinVar contains an entry for this variant (Variation ID: 488706). This variant disrupts a region of the MMACHC protein in which other variant(s) (p.Arg267) have been observed in individuals with MMACHC-related conditions (PMID: 24126030). This suggests that this is a clinically significant region of the protein, and that variants that disrupt it are likely to be disease-causing. In summary, the available evidence is currently insufficient to determine the role of this variant in disease. Therefore, it has been classified as a Variant of Uncertain Significance.

Kariminejad - Najmabadi Pathology & Genetics Center
Classification: Pathogenic for Cobalamin C disease. Review status: criteria provided, single submitter. Criteria: ACMG Guidelines, 2015. Collection method: clinical testing. Allele origin: germline. Affected: no.

Counsyl
Classification: Likely pathogenic for Cobalamin C disease. Last evaluated: 2017-01-25. Review status: no assertion criteria provided. Collection method: clinical testing. Allele origin: unknown. Not counted in ClinVar's aggregate classification.

Literature cited by the submitters: PubMed 26990548 (cited by Women's Health and Genetics/Laboratory Corporation of America, LabCorp); PubMed 31589614 (cited by Women's Health and Genetics/Laboratory Corporation of America, LabCorp); PubMed 24126030 (cited by Labcorp Genetics (formerly Invitae), Labcorp); PubMed 22642810 (cited by Counsyl).